The following is an entry in ClinVar:

NM_001613.4(ACTA2):c.185G>C (p.Ser62Thr)

Gene: ACTA2 (actin alpha 2, smooth muscle; minus strand). Cytogenetic location: 10q23.31.
Variant type: single nucleotide variant.
Coding change: c.185G>C on transcript NM_001613.4 (MANE Select); coding-DNA position 185, G replaced by C.
Protein change: p.Ser62Thr; replaces serine 62 with threonine.
Molecular consequence: missense variant. On other transcripts: intron variant (3).
Genome position (GRCh38, 1-based): chr10:88,947,331, C>G on the plus strand (G>C on the coding strand, the complement: ACTA2 is on the minus strand). VCF-style: chr10-88947331-C-G. GRCh37 (hg19) VCF-style: chr10-90707088-C-G.
Other names: c.185G>C, p.Ser62Thr (NM_001141945.3, NM_001320855.2, NM_001406462.1 and 4 more transcripts); c.129+1471G>C (NM_001406467.1, NM_001406468.1, NM_001406469.1); short protein forms S62T.
Identifiers: ClinVar variation 3075545 (VCV003075545.1), dbSNP rs2494570778, ClinGen allele CA377513440.

ClinVar aggregate classification (germline): Uncertain significance (1 of 4 stars; one submission).

Conditions:
Familial thoracic aortic aneurysm and aortic dissection (TAAD). Also called: Thoracic aortic aneurysms and dissections. Identifiers: Orphanet 91387, MedGen C4707243, MONDO:0019625.

Submission:

All of Us Research Program, National Institutes of Health
Classification: Uncertain significance for Familial thoracic aortic aneurysm and aortic dissection. Last evaluated: 2022-12-07. Review status: criteria provided, single submitter. Criteria: ACMG Guidelines, 2015. Collection method: clinical testing. Allele origin: germline. Inheritance: Autosomal dominant inheritance. Observed: 1 variant allele, 1 heterozygote.
Comment: This missense variant replaces serine with threonine at codon 62 of the ACTA2 protein. Computational prediction suggests that this variant may have deleterious impact on protein structure and function (internally defined REVEL score threshold >= 0.7, PMID: 27666373). To our knowledge, functional studies have not been reported for this variant. This variant has not been reported in individuals affected with cardiovascular disorders in the literature. This variant has not been identified in the general population by the Genome Aggregation Database (gnomAD). The available evidence is insufficient to determine the role of this variant in disease conclusively. Therefore, this variant is classified as a Variant of Uncertain Significance.

This study involves interpretation of variants in research participants for the purpose of population health screening. Participant phenotype was not available at the time of variant classification. Additional details can be found in publication PMID: 35346344, PMCID: PMC8962531